The following is an entry in ClinVar:

NM_005005.3(NDUFB9):c.385C>T (p.Arg129Trp)

Gene: NDUFB9 (NADH:ubiquinone oxidoreductase subunit B9; plus strand). Cytogenetic location: 8q24.13.
Variant type: single nucleotide variant.
Coding change: c.385C>T on transcript NM_005005.3 (MANE Select); coding-DNA position 385, C replaced by T.
Protein change: p.Arg129Trp; replaces arginine 129 with tryptophan.
Molecular consequence: missense variant.
Genome position (GRCh38, 1-based): chr8:124,547,090, C>T. VCF-style: chr8-124547090-C-T. GRCh37 (hg19) VCF-style: chr8-125559331-C-T.
Other names: c.217C>T, p.Arg73Trp (NM_001278645.2); c.256C>T, p.Arg86Trp (NM_001278646.2); c.352C>T, p.Arg118Trp (NM_001311168.2); short protein forms R129W, R73W, R118W, R86W.
Identifiers: ClinVar variation 2986150 (VCV002986150.3), dbSNP rs2537407378, ClinGen allele CA372175351.

ClinVar aggregate classification (germline): Uncertain significance (1 of 4 stars; one submission).

Allele frequency attached by ClinVar (database versions not stated): gnomAD exomes 0.00001.
gnomAD v4.1: 11 of 1,613,494 alleles (0.00068%); highest among the groups gnomAD compares: South Asian, 0.0011%; no homozygotes.

Submission:

Labcorp Genetics (formerly Invitae), Labcorp
Classification: Uncertain significance. Last evaluated: 2023-06-05. Review status: criteria provided, single submitter. Criteria: Invitae Variant Classification Sherloc (09022015). Collection method: clinical testing. Allele origin: germline.
Comment: In summary, the available evidence is currently insufficient to determine the role of this variant in disease. Therefore, it has been classified as a Variant of Uncertain Significance. An algorithm developed to predict the effect of missense changes on protein structure and function (PolyPhen-2) suggests that this variant is likely to be disruptive. This variant has not been reported in the literature in individuals affected with NDUFB9-related conditions. This variant is not present in population databases (gnomAD no frequency). This sequence change replaces arginine, which is basic and polar, with tryptophan, which is neutral and slightly polar, at codon 129 of the NDUFB9 protein (p.Arg129Trp).